The following is an entry in ClinVar:

ClinVar aggregate classification (germline): Likely pathogenic (1 of 4 stars; one submission).

Conditions:
Junctional epidermolysis bullosa gravis of Herlitz. Also called: Herlitz-type junctional epidermolysis bullosa; Epidermolysis Bullosa Letalis; EPIDERMOLYSIS BULLOSA, JUNCTIONAL 1B, SEVERE; EPIDERMOLYSIS BULLOSA JUNCTIONALIS, HERLITZ TYPE; EPIDERMOLYSIS BULLOSA, JUNCTIONAL, HERLITZ-PEARSON TYPE; JEB-HERLITZ TYPE. Identifiers: Orphanet 79404, MedGen C0079683, MONDO:0009182, OMIM 226700.

Submission:

Myriad Genetics, Inc.
Classification: Likely pathogenic for Junctional epidermolysis bullosa gravis of Herlitz. Last evaluated: 2020-02-25. Review status: criteria provided, single submitter. Criteria: Myriad Women's Health Autosomal Recessive and X-Linked Classification Criteria (2019). Collection method: clinical testing. Allele origin: unknown.
Comment: NM_000228.2(LAMB3):c.1474C>T(Q492*) is expected to be pathogenic in the context of Herlitz junctional epidermolysis bullosa, LAMB3-related. This variant is predicted to lead to an abnormal or absent protein product due to the creation of a premature termination codon in LAMB3, a gene where loss-of-function variants are known to be pathogenic. Please note: this variant was assessed in the context of healthy population screening.

NM_000228.3(LAMB3):c.1474C>T (p.Gln492Ter)

Gene: LAMB3 (laminin subunit beta 3; minus strand). Cytogenetic location: 1q32.2.
Variant type: single nucleotide variant.
Coding change: c.1474C>T on transcript NM_000228.3 (MANE Select); coding-DNA position 1474, C replaced by T.
Protein change: p.Gln492Ter; replaces glutamine 492 with a stop codon.
Molecular consequence: nonsense.
Genome position (GRCh38, 1-based): chr1:209,627,394, G>A on the plus strand (C>T on the coding strand, the complement: LAMB3 is on the minus strand). VCF-style: chr1-209627394-G-A. GRCh37 (hg19) VCF-style: chr1-209800739-G-A.
Other names: c.1474C>T, p.Gln492Ter (NM_001017402.2, NM_001127641.1); short protein forms Q492*.
Identifiers: ClinVar variation 983941 (VCV000983941.3), dbSNP rs1666505168, ClinGen allele CA344590971.